The following is an entry in ClinVar:

NM_006269.2(RP1):c.424G>C (p.Val142Leu)

Gene: RP1 (RP1 axonemal microtubule associated; plus strand). Cytogenetic location: 8q12.1.
Variant type: single nucleotide variant.
Coding change: c.424G>C on transcript NM_006269.2 (MANE Select); coding-DNA position 424, G replaced by C.
Protein change: p.Val142Leu; replaces valine 142 with leucine.
Molecular consequence: missense variant.
Genome position (GRCh38, 1-based): chr8:54,621,390, G>C. VCF-style: chr8-54621390-G-C. GRCh37 (hg19) VCF-style: chr8-55533950-G-C.
Other names: c.424G>C, p.Val142Leu (NM_001375654.1); short protein forms V142L.
Identifiers: ClinVar variation 1377158 (VCV001377158.8), dbSNP rs367600337, ClinGen allele CA370986755.

ClinVar aggregate classification (germline): Uncertain significance (1 of 4 stars; one submission).

Submission:

Labcorp Genetics (formerly Invitae), Labcorp
Classification: Uncertain significance. Last evaluated: 2024-10-20. Review status: criteria provided, single submitter. Criteria: Invitae Variant Classification Sherloc (09022015). Collection method: clinical testing. Allele origin: germline.
Comment: This sequence change replaces valine, which is neutral and non-polar, with leucine, which is neutral and non-polar, at codon 142 of the RP1 protein (p.Val142Leu). This variant is not present in population databases (gnomAD no frequency). This variant has not been reported in the literature in individuals affected with RP1-related conditions. ClinVar contains an entry for this variant (Variation ID: 1377158). An algorithm developed to predict the effect of missense changes on protein structure and function (PolyPhen-2) suggests that this variant is likely to be tolerated. In summary, the available evidence is currently insufficient to determine the role of this variant in disease. Therefore, it has been classified as a Variant of Uncertain Significance.